The following is an entry in ClinVar:

ClinVar aggregate classification (germline): Uncertain significance. Review status: criteria provided, multiple submitters, no conflicts (2 of 4 stars). 2 submissions from 2 submitters: Uncertain significance (2). Last evaluated 2025-10-06.

Conditions:
Hereditary cancer-predisposing syndrome. Also called: Hereditary neoplastic syndrome; Neoplastic Syndromes, Hereditary; Tumor predisposition; Hereditary Cancer Syndrome. Identifiers: Orphanet 140162, MedGen C0027672, MeSH D009386, MONDO:0015356.

Allele frequency attached by ClinVar (database versions not stated): gnomAD exomes below 0.00001.
gnomAD v4.1: 2 of 1,614,168 alleles (0.00012%); highest among the groups gnomAD compares: Non-Finnish European, 0.00017%; no homozygotes.

Submissions (2):

Ambry Genetics
Classification: Uncertain significance for Hereditary cancer-predisposing syndrome. Last evaluated: 2025-10-06. Review status: criteria provided, single submitter. Criteria: Ambry Variant Classification Scheme 2023. Collection method: clinical testing. Allele origin: germline.
Comment: The p.A294T variant (also known as c.880G>A), located in coding exon 7 of the SMARCB1 gene, results from a G to A substitution at nucleotide position 880. The alanine at codon 294 is replaced by threonine, an amino acid with similar properties. This variant was detected as heterozygous in individual(s) with no reported features of SMARCB1-related Coffin-Siris syndrome (Ambry internal data). This amino acid position is highly conserved in available vertebrate species. In addition, this alteration is predicted to be deleterious by in silico analysis. Since supporting evidence is limited at this time, the clinical significance of this alteration remains unclear.

Labcorp Genetics (formerly Invitae), Labcorp
Classification: Uncertain significance. Last evaluated: 2025-05-09. Review status: criteria provided, single submitter. Criteria: Invitae Variant Classification Sherloc (09022015). Collection method: clinical testing. Allele origin: germline.
Comment: This sequence change replaces alanine, which is neutral and non-polar, with threonine, which is neutral and polar, at codon 294 of the SMARCB1 protein (p.Ala294Thr). This variant is not present in population databases (gnomAD no frequency). This missense change has been observed in individual(s) with neurodevelopmental disorders (PMID: 37500730). ClinVar contains an entry for this variant (Variation ID: 532967). Invitae Evidence Modeling of protein sequence and biophysical properties (such as structural, functional, and spatial information, amino acid conservation, physicochemical variation, residue mobility, and thermodynamic stability) indicates that this missense variant is expected to disrupt SMARCB1 protein function with a positive predictive value of 80%. In summary, the available evidence is currently insufficient to determine the role of this variant in disease. Therefore, it has been classified as a Variant of Uncertain Significance.

Literature cited by the submitters: PubMed 37500730 (cited by Labcorp Genetics (formerly Invitae), Labcorp).

NM_003073.5(SMARCB1):c.880G>A (p.Ala294Thr)

Gene: SMARCB1 (SWI/SNF related BAF chromatin remodeling complex subunit B1; plus strand). Cytogenetic location: 22q11.23.
Variant type: single nucleotide variant.
Coding change: c.880G>A on transcript NM_003073.5 (MANE Select); coding-DNA position 880, G replaced by A.
Protein change: p.Ala294Thr; replaces alanine 294 with threonine.
Molecular consequence: missense variant.
Genome position (GRCh38, 1-based): chr22:23,825,309, G>A. VCF-style: chr22-23825309-G-A. GRCh37 (hg19) VCF-style: chr22-24167496-G-A.
Other names: c.934G>A, p.Ala312Thr (NM_001362877.2); c.853G>A, p.Ala285Thr (NM_001007468.3); c.907G>A, p.Ala303Thr (NM_001317946.2); c.880G>A (LRG_520t1); short protein forms A294T, A285T, A303T, A312T.
Identifiers: ClinVar variation 532967 (VCV000532967.15), dbSNP rs1555880578, ClinGen allele CA410907286.
Genomic context (GRCh38, chr22:23,825,309, plus strand): 5'-TCCCTGGTGGACCAGTTTGAGTGGGACATGTCAGAGAAGGAGAACTCACCAGAGAAGTTT[G>A]CCCTGAAGCTGTGCTCGGAGCTGGGGTTGGGCGGGGAGTTTGTCACCACCATCGCATACA-3'
Protein context (NP_003064.2, residues 284-304): SEKENSPEKF[Ala294Thr]LKLCSELGLG